The following is an entry in ClinVar:

NM_000321.3(RB1):c.899T>C (p.Met300Thr)

Gene: RB1 (RB transcriptional corepressor 1; plus strand). Cytogenetic location: 13q14.2.
Variant type: single nucleotide variant.
Coding change: c.899T>C on transcript NM_000321.3 (MANE Select); coding-DNA position 899, T replaced by C.
Protein change: p.Met300Thr; replaces methionine 300 with threonine.
Molecular consequence: missense variant.
Genome position (GRCh38, 1-based): chr13:48,364,931, T>C. VCF-style: chr13-48364931-T-C. GRCh37 (hg19) VCF-style: chr13-48939067-T-C.
Other names: c.899T>C, p.Met300Thr (NM_001407165.1, NM_001407166.1); short protein forms M300T.
Identifiers: ClinVar variation 1765390 (VCV001765390.5), dbSNP rs2138116475, ClinGen allele CA388159968.

ClinVar aggregate classification (germline): Uncertain significance. Review status: criteria provided, multiple submitters, no conflicts (2 of 4 stars). 2 submissions from 2 submitters: Uncertain significance (2). Last evaluated 2024-12-15.

Conditions:
Hereditary cancer-predisposing syndrome. Also called: Neoplastic Syndromes, Hereditary; Tumor predisposition; Hereditary Cancer Syndrome; Hereditary neoplastic syndrome. Identifiers: Orphanet 140162, MedGen C0027672, MeSH D009386, MONDO:0015356.
Retinoblastoma (RB1). Also called: RETINOBLASTOMA, SOMATIC. Identifiers: Orphanet 790, MedGen C0035335, MeSH D012175, MONDO:0008380, OMIM 180200, HP:0009919. Disease mechanism: loss of function. Inheritance: Both sporadic and heritable forms are tested..

Allele frequency attached by ClinVar (database versions not stated): gnomAD exomes below 0.00001.
gnomAD v4.1: 1 of 1,569,436 alleles (0.000064%); highest among the groups gnomAD compares: South Asian, 0.0012%; no homozygotes.

Submissions (2):

Labcorp Genetics (formerly Invitae), Labcorp
Classification: Uncertain significance for Retinoblastoma. Last evaluated: 2024-12-15. Review status: criteria provided, single submitter. Criteria: Invitae Variant Classification Sherloc (09022015). Collection method: clinical testing. Allele origin: germline.
Comment: This sequence change replaces methionine, which is neutral and non-polar, with threonine, which is neutral and polar, at codon 300 of the RB1 protein (p.Met300Thr). This variant is not present in population databases (gnomAD no frequency). This variant has not been reported in the literature in individuals affected with RB1-related conditions. ClinVar contains an entry for this variant (Variation ID: 1765390). Invitae Evidence Modeling of protein sequence and biophysical properties (such as structural, functional, and spatial information, amino acid conservation, physicochemical variation, residue mobility, and thermodynamic stability) indicates that this missense variant is not expected to disrupt RB1 protein function with a negative predictive value of 80%. In summary, the available evidence is currently insufficient to determine the role of this variant in disease. Therefore, it has been classified as a Variant of Uncertain Significance.

Ambry Genetics
Classification: Uncertain significance for Hereditary cancer-predisposing syndrome. Last evaluated: 2022-06-15. Review status: criteria provided, single submitter. Criteria: Ambry Variant Classification Scheme 2023. Collection method: clinical testing. Allele origin: germline.
Comment: The p.M300T variant (also known as c.899T>C), located in coding exon 9 of the RB1 gene, results from a T to C substitution at nucleotide position 899. The methionine at codon 300 is replaced by threonine, an amino acid with similar properties. This amino acid position is conserved. In addition, the in silico prediction for this alteration is inconclusive. Since supporting evidence is limited at this time, the clinical significance of this alteration remains unclear.